The following is an entry in ClinVar:

ClinVar aggregate classification (germline): Uncertain significance (1 of 4 stars; one submission).

Submission:

Labcorp Genetics (formerly Invitae), Labcorp
Classification: Uncertain significance. Last evaluated: 2025-09-05. Review status: criteria provided, single submitter. Criteria: Invitae Variant Classification Sherloc (09022015). Collection method: clinical testing. Allele origin: germline.
Comment: This sequence change replaces arginine, which is basic and polar, with lysine, which is basic and polar, at codon 232 of the PIGV protein (p.Arg232Lys). This variant is not present in population databases (gnomAD no frequency). This variant has not been reported in the literature in individuals affected with PIGV-related conditions. ClinVar contains an entry for this variant (Variation ID: 2054247). Invitae Evidence Modeling of protein sequence and biophysical properties (such as structural, functional, and spatial information, amino acid conservation, physicochemical variation, residue mobility, and thermodynamic stability) indicates that this missense variant is not expected to disrupt PIGV protein function with a negative predictive value of 95%. In summary, the available evidence is currently insufficient to determine the role of this variant in disease. Therefore, it has been classified as a Variant of Uncertain Significance.

NM_017837.4(PIGV):c.695G>A (p.Arg232Lys)

Gene: PIGV (phosphatidylinositol glycan anchor biosynthesis class V; plus strand). Cytogenetic location: 1p36.11.
Variant type: single nucleotide variant.
Coding change: c.695G>A on transcript NM_017837.4 (MANE Select); coding-DNA position 695, G replaced by A.
Protein change: p.Arg232Lys; replaces arginine 232 with lysine.
Molecular consequence: missense variant. On other transcripts: non-coding transcript variant (1), intron variant (3).
Genome position (GRCh38, 1-based): chr1:26,794,729, G>A. VCF-style: chr1-26794729-G-A. GRCh37 (hg19) VCF-style: chr1-27121220-G-A.
Other names: c.695G>A, p.Arg232Lys (NM_001202554.2, NM_001374478.1, NM_001374480.1 and 2 more transcripts); c.314G>A, p.Arg105Lys (NM_001374483.1); c.173-105G>A (NM_001374484.1, NM_001374485.1); c.79-2834G>A (NM_001374486.1); short protein forms R232K, R105K.
Identifiers: ClinVar variation 2054247 (VCV002054247.3), dbSNP rs2522171757, ClinGen allele CA339200318.